The following is an entry in ClinVar:

ClinVar aggregate classification (germline): Uncertain significance (1 of 4 stars; one submission).

Conditions:
Inborn genetic diseases. Identifiers: MedGen C0950123, MeSH D030342.

Allele frequency attached by ClinVar (database versions not stated): ExAC 0.00001.
gnomAD v4.1: 1 of 1,612,526 alleles (0.000062%); highest among the groups gnomAD compares: Non-Finnish European, 0.000085%; no homozygotes.

Submission:

Ambry Genetics
Classification: Uncertain significance for Inborn genetic diseases. Last evaluated: 2023-03-23. Review status: criteria provided, single submitter. Criteria: Ambry Variant Classification Scheme 2023. Collection method: clinical testing. Allele origin: germline.
Comment: The p.C38S variant (also known as c.113G>C), located in coding exon 2 of the ATR gene, results from a G to C substitution at nucleotide position 113. The cysteine at codon 38 is replaced by serine, an amino acid with dissimilar properties. This amino acid position is conserved. In addition, the in silico prediction for this alteration is inconclusive. Since supporting evidence is limited at this time, the clinical significance of this alteration remains unclear.

NM_001184.4(ATR):c.113G>C (p.Cys38Ser)

Gene: ATR (ATR checkpoint kinase; minus strand). Cytogenetic location: 3q23.
Variant type: single nucleotide variant.
Coding change: c.113G>C on transcript NM_001184.4 (MANE Select); coding-DNA position 113, G replaced by C.
Protein change: p.Cys38Ser; replaces cysteine 38 with serine.
Molecular consequence: missense variant.
Genome position (GRCh38, 1-based): chr3:142,568,101, C>G on the plus strand (G>C on the coding strand, the complement: ATR is on the minus strand). VCF-style: chr3-142568101-C-G. GRCh37 (hg19) VCF-style: chr3-142286943-C-G.
Other names: c.113G>C, p.Cys38Ser (NM_001354579.2); short protein forms C38S.
Identifiers: ClinVar variation 2561356 (VCV002561356.2), dbSNP rs756508315, ClinGen allele CA2650845.